The following is an entry in ClinVar:

NM_001042492.3(NF1):c.8499T>C (p.Asn2833=)

Gene: NF1 (neurofibromin 1; plus strand). Cytogenetic location: 17q11.2.
Variant type: single nucleotide variant.
Coding change: c.8499T>C on transcript NM_001042492.3 (MANE Select); coding-DNA position 8499, T replaced by C.
Protein change: p.Asn2833=; no amino-acid change (asparagine 2833 retained).
Molecular consequence: synonymous variant.
Genome position (GRCh38, 1-based): chr17:31,374,134, T>C. VCF-style: chr17-31374134-T-C. GRCh37 (hg19) VCF-style: chr17-29701152-T-C.
Other names: c.8436T>C, p.Asn2812= (NM_000267.4).
Identifiers: ClinVar variation 184533 (VCV000184533.61), dbSNP rs142636150, ClinGen allele CA189221.
Genomic context (GRCh38, chr17:31,374,134, plus strand): 5'-TCGCCACGGATCCGCAAGCCAAGTGCAGAAGCAAAGAAGCGCTGGCAGTTTCAAACGTAA[T>C]AGCATTAAGAAGATCGTGTGAAGCTTGCTTGCTTTCTTTTTTAAAATCAACTTAACATGG-3'
Protein context (NP_001035957.1, residues 2823-2839): KQRSAGSFKR[Asn2833=]SIKKIV

ClinVar aggregate classification (germline): Benign/Likely benign. Review status: criteria provided, multiple submitters, no conflicts (2 of 4 stars). 21 submissions from 17 submitters: Benign (8); Likely benign (13). Last evaluated 2026-05-22.

Conditions:
Hereditary cancer-predisposing syndrome. Also called: Tumor predisposition; Neoplastic Syndromes, Hereditary; Hereditary Cancer Syndrome; Hereditary neoplastic syndrome. Identifiers: Orphanet 140162, MedGen C0027672, MeSH D009386, MONDO:0015356.
Cardiovascular phenotype. Identifiers: MedGen CN230736.
Café-au-lait macules with pulmonary stenosis (WTSN). Also called: PULMONIC STENOSIS WITH CAFE-AU-LAIT SPOTS. Identifiers: MedGen C0553586, MONDO:0008672, OMIM 193520.
Neurofibromatosis-Noonan syndrome (NFNS). Also called: NEUROFIBROMATOSIS WITH NOONAN PHENOTYPE. Identifiers: Orphanet 638, MedGen C2931482, MONDO:0011035, OMIM 601321. Disease mechanism: loss of function.
Neurofibromatosis, familial spinal (FSNF). Identifiers: Orphanet 636, MedGen C1834235, MONDO:0008078, OMIM 162210. Disease mechanism: loss of function.
Neurofibromatosis, type 1 (NF1). Also called: Peripheral type neurofibromatosis; Neurofibromatosis, type I; NEUROFIBROMATOSIS, TYPE I, SOMATIC; VON RECKLINGHAUSEN DISEASE. Identifiers: Orphanet 636, MedGen C0027831, MONDO:0018975, OMIM 162200. Disease mechanism: loss of function.

Allele frequency attached by ClinVar (database versions not stated): TOPMed 0.00019; gnomAD 0.00020 and 0.00027; gnomAD exomes 0.00021 and 0.00030; ESP Exome Variant Server 0.00031; ExAC 0.00032; 1000 Genomes Project 30x 0.00047; 1000 Genomes Project 0.00060.
gnomAD v4.1: 352 of 1,614,048 alleles (0.022%); highest among the groups gnomAD compares: Middle Eastern, 0.3%; 2 homozygotes.

Submissions (21):

Myriad Genetics, Inc.
Classification: Benign for Neurofibromatosis, type 1. Last evaluated: 2026-05-22. Review status: criteria provided, single submitter. Criteria: Myriad Autosomal Dominant, Autosomal Recessive and X-Linked Classification Criteria (2023). Collection method: clinical testing. Allele origin: unknown.
Comment: This variant is considered benign. This variant is a silent/synonymous amino acid change and it is not expected to impact splicing.

Labcorp Genetics (formerly Invitae), Labcorp
Classification: Benign for Neurofibromatosis, type 1. Last evaluated: 2026-02-03. Review status: criteria provided, single submitter. Criteria: Invitae Variant Classification Sherloc (09022015). Collection method: clinical testing. Allele origin: germline.

CeGaT Center for Human Genetics Tuebingen
Classification: Likely benign. Last evaluated: 2025-11-01. Review status: criteria provided, single submitter. Criteria: CeGaT Center For Human Genetics Tuebingen Variant Classification Criteria Version 2. Collection method: clinical testing. Allele origin: germline. Affected: yes. Observed: 10 variant alleles.
Comment: NF1: BP4, BP7, BS1

Blueprint Genetics
Classification: Likely benign. Last evaluated: 2024-11-13. Review status: criteria provided, single submitter. Criteria: ACMG Guidelines, 2015. Collection method: clinical testing. Allele origin: germline.

Department of Pathology and Laboratory Medicine, Sinai Health System
Classification: Likely benign for Neurofibromatosis, type 1. Last evaluated: 2024-06-06. Review status: criteria provided, single submitter. Criteria: ACMG Guidelines, 2015. Collection method: clinical testing. Allele origin: germline. Affected: yes.

Institute for Biomarker Research, Medical Diagnostic Laboratories, L.L.C.
Classification: Benign for Hereditary cancer-predisposing syndrome. Last evaluated: 2024-03-05. Review status: criteria provided, single submitter. Criteria: ACMG Guidelines, 2015. Collection method: clinical testing. Allele origin: germline.

Medical Genetics, University of Parma
Classification: Benign for Neurofibromatosis, type 1. Last evaluated: 2022-08-17. Review status: criteria provided, single submitter. Criteria: ACMG Guidelines, 2015. Collection method: clinical testing. Allele origin: germline. Inheritance: Autosomal dominant inheritance. Affected: yes.

Genome-Nilou Lab
Classification: Benign for Neurofibromatosis, type 1. Last evaluated: 2022-03-15. Review status: criteria provided, single submitter. Criteria: ACMG Guidelines, 2015. Collection method: clinical testing. Allele origin: germline. Affected: no.

Women's Health and Genetics/Laboratory Corporation of America, LabCorp
Classification: Benign. Last evaluated: 2021-03-20. Review status: criteria provided, single submitter. Criteria: LabCorp Variant Classification Summary - May 2015. Collection method: clinical testing. Allele origin: germline.

Sema4
Classification: Benign for Hereditary cancer-predisposing syndrome. Last evaluated: 2021-03-19. Review status: criteria provided, single submitter. Criteria: Sema4 Curation Guidelines. Collection method: curation. Allele origin: germline.

GeneDx
Classification: Likely benign. Last evaluated: 2021-02-25. Review status: criteria provided, single submitter. Criteria: GeneDx Variant Classification Process June 2021. Collection method: clinical testing. Allele origin: germline. Affected: yes.
Comment: This variant is associated with the following publications: (PMID: 26740943)

Ambry Genetics
Classification: Likely benign for Cardiovascular phenotype; Hereditary cancer-predisposing syndrome. Last evaluated: 2019-05-15. Review status: criteria provided, single submitter. Criteria: Ambry Variant Classification Scheme 2023. Collection method: clinical testing. Allele origin: germline.

Illumina Laboratory Services, Illumina
Classification: Likely benign for Café-au-lait macules with pulmonary stenosis. Last evaluated: 2018-01-13. Review status: criteria provided, single submitter. Criteria: ICSL Variant Classification Criteria 13 December 2019. Collection method: clinical testing. Allele origin: germline.
Comment: This variant was observed in the ICSL laboratory as part of a predisposition screen in an ostensibly healthy population. It had not been previously curated by ICSL or reported in the Human Gene Mutation Database (HGMD: prior to June 1st, 2018), and was therefore a candidate for classification through an automated scoring system. Utilizing variant allele frequency, disease prevalence and penetrance estimates, and inheritance mode, an automated score was calculated to assess if this variant is too frequent to cause the disease. Based on the score and internal cut-off values, a variant classified as likely benign is not then subjected to further curation. The score for this variant resulted in a classification of likely benign for this disease.

Illumina Laboratory Services, Illumina
Classification: Likely benign for Neurofibromatosis, familial spinal. Last evaluated: 2018-01-13. Review status: criteria provided, single submitter. Criteria: ICSL Variant Classification Criteria 13 December 2019. Collection method: clinical testing. Allele origin: germline.
Comment: the same text as in the submission from Illumina Laboratory Services, Illumina above.

Illumina Laboratory Services, Illumina
Classification: Benign for Neurofibromatosis-Noonan syndrome. Last evaluated: 2018-01-13. Review status: criteria provided, single submitter. Criteria: ICSL Variant Classification Criteria 13 December 2019. Collection method: clinical testing. Allele origin: germline.
Comment: This variant was observed in the ICSL laboratory as part of a predisposition screen in an ostensibly healthy population. It had not been previously curated by ICSL or reported in the Human Gene Mutation Database (HGMD: prior to June 1st, 2018), and was therefore a candidate for classification through an automated scoring system. Utilizing variant allele frequency, disease prevalence and penetrance estimates, and inheritance mode, an automated score was calculated to assess if this variant is too frequent to cause the disease. Based on the score and internal cut-off values, a variant classified as benign is not then subjected to further curation. The score for this variant resulted in a classification of benign for this disease.

Illumina Laboratory Services, Illumina
Classification: Likely benign for Neurofibromatosis, type 1. Last evaluated: 2018-01-13. Review status: criteria provided, single submitter. Criteria: ICSL Variant Classification Criteria 13 December 2019. Collection method: clinical testing. Allele origin: germline.
Comment: the same text as in the submission from Illumina Laboratory Services, Illumina above.

Laboratory for Molecular Medicine, Mass General Brigham Personalized Medicine
Classification: Likely benign. Last evaluated: 2017-06-13. Review status: criteria provided, single submitter. Criteria: LMM Criteria. Collection method: clinical testing. Allele origin: germline. Observed: 2 variant alleles.
Comment: p.Asn2833Asn in exon 58 of NF1: This variant is not expected to have clinical si gnificance because it does not alter an amino acid residue and is not located wi thin the splice consensus sequence. It has been identified in 0.1% (37/30782) of South Asian chromosomes, including 1 homozygote, by the Genome Aggregation Data base (gnomAD; dbSNP rs142636150).

Genetic Services Laboratory, University of Chicago
Classification: Likely benign. Last evaluated: 2016-11-11. Review status: criteria provided, single submitter. Criteria: ACMG Guidelines, 2015. Collection method: clinical testing. Allele origin: germline. Affected: no.

Ambry Genetics
Classification: Likely benign for Hereditary cancer-predisposing syndrome. Last evaluated: 2014-07-25. Review status: criteria provided, single submitter. Criteria: Ambry Autosomal Dominant and X-Linked criteria (10/2015). Collection method: clinical testing. Allele origin: germline. Observed: 1 variant allele.

Breakthrough Genomics
Classification: Likely benign. Review status: criteria provided, single submitter. Criteria: ACMG Guidelines, 2015. Collection method: not provided. Allele origin: germline. Inheritance: Autosomal dominant inheritance. Affected: yes.

PreventionGenetics, part of Exact Sciences
Classification: Likely benign. Review status: criteria provided, single submitter. Criteria: ACMG Guidelines, 2015. Collection method: clinical testing. Allele origin: germline.

Literature cited by the submitters: PubMed 10678181 (cited by Women's Health and Genetics/Laboratory Corporation of America, LabCorp); PubMed 23460398 (cited by Women's Health and Genetics/Laboratory Corporation of America, LabCorp).